The following is an entry in ClinVar:

NM_005097.4(LGI1):c.505G>T (p.Asp169Tyr)

Gene: LGI1 (leucine rich glioma inactivated 1; plus strand). Cytogenetic location: 10q23.33.
Variant type: single nucleotide variant.
Coding change: c.505G>T on transcript NM_005097.4 (MANE Select); coding-DNA position 505, G replaced by T.
Protein change: p.Asp169Tyr; replaces aspartic acid 169 with tyrosine.
Molecular consequence: missense variant. On other transcripts: non-coding transcript variant (1).
Genome position (GRCh38, 1-based): chr10:93,792,744, G>T. VCF-style: chr10-93792744-G-T. GRCh37 (hg19) VCF-style: chr10-95552501-G-T.
Other names: c.505G>T, p.Asp169Tyr (NM_001308275.2); c.361G>T, p.Asp121Tyr (NM_001308276.2); short protein forms D169Y, D121Y.
Identifiers: ClinVar variation 3688871 (VCV003688871.2).

ClinVar aggregate classification (germline): Uncertain significance (1 of 4 stars; one submission).

Conditions:
Autosomal dominant epilepsy with auditory features. Identifiers: Orphanet 101046, MedGen C1838062, MONDO:0010898.

Submission:

Labcorp Genetics (formerly Invitae), Labcorp
Classification: Uncertain significance for Autosomal dominant epilepsy with auditory features. Last evaluated: 2024-12-07. Review status: criteria provided, single submitter. Criteria: Invitae Variant Classification Sherloc (09022015). Collection method: clinical testing. Allele origin: germline.
Comment: This sequence change replaces aspartic acid, which is acidic and polar, with tyrosine, which is neutral and polar, at codon 169 of the LGI1 protein (p.Asp169Tyr). This variant is not present in population databases (gnomAD no frequency). This variant has not been reported in the literature in individuals affected with LGI1-related conditions. An algorithm developed to predict the effect of missense changes on protein structure and function (PolyPhen-2) suggests that this variant is likely to be disruptive. In summary, the available evidence is currently insufficient to determine the role of this variant in disease. Therefore, it has been classified as a Variant of Uncertain Significance.